The following is an entry in ClinVar:

ClinVar aggregate classification (germline): Uncertain significance (1 of 4 stars; one submission).

Submission:

GeneDx
Classification: Uncertain significance. Last evaluated: 2025-05-13. Review status: criteria provided, single submitter. Criteria: GeneDx Variant Classification Process June 2021. Collection method: clinical testing. Allele origin: germline. Affected: yes.
Comment: Not observed at significant frequency in large population cohorts (gnomAD); In silico analysis supports that this missense variant has a deleterious effect on protein structure/function; Has not been previously published as pathogenic or benign to our knowledge; This variant is associated with the following publications: (PMID: 18034775, 20619386)

NM_005188.4(CBL):c.379A>G (p.Lys127Glu)

Gene: CBL (Cbl proto-oncogene; plus strand). Cytogenetic location: 11q23.3.
Variant type: single nucleotide variant.
Coding change: c.379A>G on transcript NM_005188.4 (MANE Select); coding-DNA position 379, A replaced by G.
Protein change: p.Lys127Glu; replaces lysine 127 with glutamic acid.
Molecular consequence: missense variant.
Genome position (GRCh38, 1-based): chr11:119,232,631, A>G. VCF-style: chr11-119232631-A-G. GRCh37 (hg19) VCF-style: chr11-119103341-A-G.
Other names: short protein forms K127E.
Identifiers: ClinVar variation 4530016 (VCV004530016.1).